The following is an entry in ClinVar:

NM_014141.6(CNTNAP2):c.2461G>A (p.Ala821Thr)

Gene: CNTNAP2 (contactin associated protein 2; plus strand). Cytogenetic location: 7q35.
Variant type: single nucleotide variant.
Coding change: c.2461G>A on transcript NM_014141.6 (MANE Select); coding-DNA position 2461, G replaced by A.
Protein change: p.Ala821Thr; replaces alanine 821 with threonine.
Molecular consequence: missense variant.
Genome position (GRCh38, 1-based): chr7:148,118,195, G>A. VCF-style: chr7-148118195-G-A. GRCh37 (hg19) VCF-style: chr7-147815287-G-A.
Other names: short protein forms A821T.
Identifiers: ClinVar variation 468424 (VCV000468424.8), dbSNP rs375617946, ClinGen allele CA4546406.
Genomic context (GRCh38, chr7:148,118,195, plus strand): 5'-GCCTCTTTCCCAAACCCATCCTCCTACCTGCACTTCTCTACTTTCCAAGGGGAAACTAGC[G>A]CTGACATTTCTTTCTACTTCAAAACATTAACCCCCTGGGGAGTGTTTCTTGAAAATATGG-3'
Protein context (NP_054860.1, residues 811-831): HFSTFQGETS[Ala821Thr]DISFYFKTLT

ClinVar aggregate classification (germline): Uncertain significance (1 of 4 stars; one submission).

Conditions:
Cortical dysplasia-focal epilepsy syndrome (PTHSL1). Also called: Pitt-Hopkins-like syndrome 1. Identifiers: Orphanet 163681, Orphanet 221150, MedGen C2750246, MONDO:0012400, OMIM 610042.

Allele frequency attached by ClinVar (database versions not stated): TOPMed 0.00001; ExAC 0.00002; gnomAD exomes 0.00002; ESP Exome Variant Server 0.00008.
gnomAD v4.1: 25 of 1,614,114 alleles (0.0015%); highest among the groups gnomAD compares: East Asian, 0.0045%; no homozygotes.

Submission:

Labcorp Genetics (formerly Invitae), Labcorp
Classification: Uncertain significance for Cortical dysplasia-focal epilepsy syndrome. Last evaluated: 2022-03-17. Review status: criteria provided, single submitter. Criteria: Invitae Variant Classification Sherloc (09022015). Collection method: clinical testing. Allele origin: germline.
Comment: This sequence change replaces alanine, which is neutral and non-polar, with threonine, which is neutral and polar, at codon 821 of the CNTNAP2 protein (p.Ala821Thr). This variant is present in population databases (rs375617946, gnomAD 0.01%). This variant has not been reported in the literature in individuals affected with CNTNAP2-related conditions. ClinVar contains an entry for this variant (Variation ID: 468424). Algorithms developed to predict the effect of missense changes on protein structure and function are either unavailable or do not agree on the potential impact of this missense change (SIFT: "Tolerated"; PolyPhen-2: "Possibly Damaging"; Align-GVGD: "Class C0"). In summary, the available evidence is currently insufficient to determine the role of this variant in disease. Therefore, it has been classified as a Variant of Uncertain Significance.